The following is an entry in ClinVar:

NC_012920.1(MT-CO1):m.6481T>C

Gene: MT-CO1 (mitochondrially encoded cytochrome c oxidase I; plus strand).
Variant type: single nucleotide variant.
Genome position: chrM-6481-T-C.
Identifiers: ClinVar variation 692652 (VCV000692652.1), dbSNP rs28721398, ClinGen allele CA337097420.

ClinVar aggregate classification (germline): Uncertain significance (1 of 4 stars; one submission).

Conditions:
Leigh syndrome (NULS). Also called: Leigh's necrotizing encephalopathy; Leigh's disease; Leigh Syndrome (mtDNA deletion); Leigh Disease; Subacute necrotizing encephalopathy; Necrotizing encephalopathy infantile subacute of Leigh. Identifiers: Orphanet 506, MedGen C2931891, MONDO:0009723, OMIM 256000.

Submission:

Wong Mito Lab, Molecular and Human Genetics, Baylor College of Medicine
Classification: Uncertain significance for Leigh syndrome. Last evaluated: 2019-10-17. Review status: criteria provided, single submitter. Criteria: Modified ACMG Guidelines (Unpublished). Collection method: clinical testing. Allele origin: germline.
Comment: The NC_012920.1:m.6481T>C (YP_003024028.1:p.Val193Ala) variant in MTCO1 gene is interpretated to be a Uncertain Significance variant based on the modified ACMG guidelines (unpublished). This variant meets the following evidence codes: no criteria

Literature cited by the submitters: PubMed 19460299.